The following is an entry in ClinVar:

ClinVar aggregate classification (germline): Uncertain significance (1 of 4 stars; one submission).

Allele frequency attached by ClinVar (database versions not stated): TOPMed 0.00002; gnomAD 0.00001; gnomAD exomes 0.00001; ExAC 0.00002.
gnomAD v4.1: 23 of 1,613,396 alleles (0.0014%); highest among the groups gnomAD compares: Admixed American, 0.017%; no homozygotes.

Submission:

Labcorp Genetics (formerly Invitae), Labcorp
Classification: Uncertain significance. Last evaluated: 2025-12-06. Review status: criteria provided, single submitter. Criteria: Invitae Variant Classification Sherloc (09022015). Collection method: clinical testing. Allele origin: germline.
Comment: This sequence change replaces aspartic acid, which is acidic and polar, with asparagine, which is neutral and polar, at codon 28 of the IKZF1 protein (p.Asp28Asn). This variant is present in population databases (rs778910457, gnomAD 0.01%). This variant has not been reported in the literature in individuals affected with IKZF1-related conditions. ClinVar contains an entry for this variant (Variation ID: 1975171). An algorithm developed to predict the effect of missense changes on protein structure and function (PolyPhen-2) suggests that this variant is likely to be disruptive. In summary, the available evidence is currently insufficient to determine the role of this variant in disease. Therefore, it has been classified as a Variant of Uncertain Significance.

NM_006060.6(IKZF1):c.82G>A (p.Asp28Asn)

Gene: IKZF1 (IKAROS family zinc finger 1; plus strand). Cytogenetic location: 7p12.2.
Variant type: single nucleotide variant.
Coding change: c.82G>A on transcript NM_006060.6 (MANE Select); coding-DNA position 82, G replaced by A.
Protein change: p.Asp28Asn; replaces aspartic acid 28 with asparagine.
Molecular consequence: missense variant.
Genome position (GRCh38, 1-based): chr7:50,327,679, G>A. VCF-style: chr7-50327679-G-A. GRCh37 (hg19) VCF-style: chr7-50367275-G-A.
Other names: c.82G>A, p.Asp28Asn (NM_001220765.3, NM_001220767.2, NM_001220768.2 and 14 more transcripts); short protein forms D28N.
Identifiers: ClinVar variation 1975171 (VCV001975171.5), dbSNP rs778910457, ClinGen allele CA4261201.